The following is an entry in ClinVar:

NM_003482.4(KMT2D):c.5189-1G>C

Gene: KMT2D (lysine methyltransferase 2D; minus strand). Cytogenetic location: 12q13.12.
Variant type: single nucleotide variant.
Coding change: c.5189-1G>C on transcript NM_003482.4 (MANE Select); the canonical splice acceptor site of the intron before coding-DNA position 5189, G replaced by C.
Molecular consequence: splice acceptor variant.
Genome position (GRCh38, 1-based): chr12:49,043,999, C>G on the plus strand (G>C on the coding strand, the complement: KMT2D is on the minus strand). VCF-style: chr12-49043999-C-G. GRCh37 (hg19) VCF-style: chr12-49437782-C-G.
Identifiers: ClinVar variation 1496460 (VCV001496460.9), dbSNP rs2120577091, ClinGen allele CA384635635.

ClinVar aggregate classification (germline): Conflicting classifications of pathogenicity. Review status: criteria provided, conflicting classifications (1 of 4 stars). 3 submissions from 3 submitters: Likely pathogenic (2); Uncertain significance (1). Last evaluated 2026-09-04.

Conditions:
Kabuki syndrome 1 (KABUK1). Also called: KMT2D-Related Kabuki Syndrome. Identifiers: Orphanet 2322, MedGen CN030661, MONDO:0007843, OMIM 147920.
Choanal atresia-athelia-hypothyroidism-delayed puberty-short stature syndrome (BCAHH). Also called: BRANCHIAL ARCH ABNORMALITIES, CHOANAL ATRESIA, ATHELIA, HEARING LOSS, AND HYPOTHYROIDISM SYNDROME. Identifiers: Orphanet 589856, MedGen C5680310, MONDO:0035651, OMIM 620186.
Kabuki syndrome. Also called: NIIKAWA-KUROKI SYNDROME; Kabuki make-up syndrome. Identifiers: Orphanet 2322, MedGen C0796004, MONDO:0016512.

gnomAD v4.1: 10 of 1,614,040 alleles (0.00062%); highest among the groups gnomAD compares: Non-Finnish European, 0.00085%; no homozygotes.

Submissions (3):

GeneDx
Classification: Uncertain significance. Last evaluated: 2026-09-04. Review status: criteria provided, single submitter. Criteria: GeneDx Variant Classification Process June 2021. Collection method: clinical testing. Allele origin: germline.
Comment: Canonical splice site variant predicted to result in a null allele in a gene for which loss of function is a known mechanism of disease; Has not been previously reported as pathogenic or benign in association with KMT2D-related disorders to our knowledge; This variant is associated with the following publications: (PMID: 36765386)

Fulgent Genetics
Classification: Likely pathogenic for Kabuki syndrome 1; Choanal atresia-athelia-hypothyroidism-delayed puberty-short stature syndrome. Last evaluated: 2024-05-22. Review status: criteria provided, single submitter. Criteria: ACMG Guidelines, 2015. Collection method: clinical testing. Allele origin: germline.

Labcorp Genetics (formerly Invitae), Labcorp
Classification: Likely pathogenic for Kabuki syndrome. Last evaluated: 2022-06-20. Review status: criteria provided, single submitter. Criteria: Invitae Variant Classification Sherloc (09022015). Collection method: clinical testing. Allele origin: germline.
Comment: In summary, the currently available evidence indicates that the variant is pathogenic, but additional data are needed to prove that conclusively. Therefore, this variant has been classified as Likely Pathogenic. Algorithms developed to predict the effect of sequence changes on RNA splicing suggest that this variant may disrupt the consensus splice site. This variant has not been reported in the literature in individuals affected with KMT2D-related conditions. This variant is not present in population databases (gnomAD no frequency). This sequence change affects an acceptor splice site in intron 21 of the KMT2D gene. It is expected to disrupt RNA splicing. Variants that disrupt the donor or acceptor splice site typically lead to a loss of protein function (PMID: 16199547), and loss-of-function variants in KMT2D are known to be pathogenic (PMID: 22126750).

Literature cited by the submitters: PubMed 16199547 (cited by Labcorp Genetics (formerly Invitae), Labcorp); PubMed 22126750 (cited by Labcorp Genetics (formerly Invitae), Labcorp).